The following is an entry in ClinVar:

ClinVar aggregate classification (germline): Conflicting classifications of pathogenicity. Review status: criteria provided, conflicting classifications (1 of 4 stars). 5 submissions from 5 submitters: Uncertain significance (3); Likely benign (2). Last evaluated 2026-03-02.

Conditions:
Jeune thoracic dystrophy. Also called: Jeune syndrome; Infantile thoracic dystrophy; Thoracic pelvic phalangeal dystrophy; Jeune's syndrome; Chondroectodermal dysplasia-like syndrome; Short-rib thoracic dysplasia. Identifiers: Orphanet 474, MedGen C0265275, MONDO:0018770.
Inborn genetic diseases. Identifiers: MedGen C0950123, MeSH D030342.
DYNC2H1-related disorder. Also called: DYNC2H1-related condition; DYNC2H1-related disorders. Identifiers: MedGen CN378770.

Allele frequency attached by ClinVar (database versions not stated): gnomAD exomes 0.00008 and 0.00002; ExAC 0.00012; 1000 Genomes Project 30x 0.00016; 1000 Genomes Project 0.00020; gnomAD 0.00038 and 0.00043; TOPMed 0.00050; ESP Exome Variant Server 0.00075.
gnomAD v4.1: 94 of 1,612,944 alleles (0.0058%); highest among the groups gnomAD compares: African/African-American, 0.11%; no homozygotes.

Submissions (5):

PreventionGenetics, part of Exact Sciences
Classification: Uncertain significance for DYNC2H1-related condition. Last evaluated: 2026-03-02. Review status: criteria provided, single submitter. Criteria: ACMG Guidelines, 2015. Collection method: clinical testing. Allele origin: germline.
Comment: The DYNC2H1 c.4576C>A variant is predicted to result in the amino acid substitution p.Gln1526Lys. To our knowledge, this variant has not been reported in the literature. This variant is reported in 0.13% of alleles in individuals of African descent in gnomAD, which may be too common to be causative. Although we suspect that this variant may be benign, at this time, the clinical significance of this variant is uncertain due to the absence of conclusive functional and genetic evidence.

Labcorp Genetics (formerly Invitae), Labcorp
Classification: Likely benign for Jeune thoracic dystrophy. Last evaluated: 2026-02-01. Review status: criteria provided, single submitter. Criteria: Invitae Variant Classification Sherloc (09022015). Collection method: clinical testing. Allele origin: germline.

Blueprint Genetics
Classification: Likely benign. Last evaluated: 2024-05-29. Review status: criteria provided, single submitter. Criteria: ACMG Guidelines, 2015. Collection method: clinical testing. Allele origin: germline.

GeneDx
Classification: Uncertain significance. Last evaluated: 2023-11-28. Review status: criteria provided, single submitter. Criteria: GeneDx Variant Classification Process June 2021. Collection method: clinical testing. Allele origin: germline. Affected: yes.
Comment: In silico analysis supports that this missense variant does not alter protein structure/function; Has not been previously published as pathogenic or benign to our knowledge

Ambry Genetics
Classification: Uncertain significance for Inborn genetic diseases. Last evaluated: 2021-10-06. Review status: criteria provided, single submitter. Criteria: Ambry Variant Classification Scheme 2023. Collection method: clinical testing. Allele origin: germline.

NM_001377.3(DYNC2H1):c.4576C>A (p.Gln1526Lys)

Gene: DYNC2H1 (dynein cytoplasmic 2 heavy chain 1; plus strand). Cytogenetic location: 11q22.3.
Variant type: single nucleotide variant.
Coding change: c.4576C>A on transcript NM_001377.3 (MANE Select); coding-DNA position 4576, C replaced by A.
Protein change: p.Gln1526Lys; replaces glutamine 1526 with lysine.
Molecular consequence: missense variant.
Genome position (GRCh38, 1-based): chr11:103,163,112, C>A. VCF-style: chr11-103163112-C-A. GRCh37 (hg19) VCF-style: chr11-103033841-C-A.
Other names: c.4576C>A, p.Gln1526Lys (NM_001080463.2); c.4576C>A (NM_001080463.1); short protein forms Q1526K.
Identifiers: ClinVar variation 1147152 (VCV001147152.12), dbSNP rs201162989, ClinGen allele CA6253586.